The following is an entry in ClinVar:

NM_012156.2(EPB41L1):c.1669-1775C>A

Gene: EPB41L1 (erythrocyte membrane protein band 4.1 like 1; plus strand). Cytogenetic location: 20q11.23.
Variant type: single nucleotide variant.
Coding change: c.1669-1775C>A on transcript NM_012156.2 (MANE Select); 1775 bases into the intron before coding-DNA position 1669, C replaced by A.
Molecular consequence: intron variant.
Genome position (GRCh38, 1-based): chr20:36,207,713, C>A. VCF-style: chr20-36207713-C-A. GRCh37 (hg19) VCF-style: chr20-34795635-C-A.
Other names: c.1447-1775C>A (NM_001258331.2, NM_001424407.1, NM_001424406.1 and 4 more transcripts); c.1540-4559C>A (NM_001258330.1); c.1447-4559C>A (NM_001424405.1, NM_001424404.1, NM_001424403.1 and 4 more transcripts); c.1669-1775C>A (NM_001258329.1, NM_001424397.1); c.1669-4559C>A (NM_001424384.1); c.1633-1775C>A (NM_001424401.1, NM_001424400.1, NM_001424396.1); c.1633-4559C>A (NM_001424388.1, NM_001424387.1, NM_001424383.1); c.1666-1775C>A (NM_001424402.1); and 5 more.
Identifiers: ClinVar variation 2652295 (VCV002652295.24), dbSNP rs141250472, ClinGen allele CA9840042.

ClinVar aggregate classification (germline): Benign (1 of 4 stars; one submission).

Allele frequency attached by ClinVar (database versions not stated): 1000 Genomes Project 0.00040; 1000 Genomes Project 30x 0.00047; ExAC 0.00198.
gnomAD v4.1: 527 of 1,290,034 alleles (0.041%); highest among the groups gnomAD compares: Middle Eastern, 0.85%; 4 homozygotes.

Submission:

CeGaT Center for Human Genetics Tuebingen
Classification: Benign. Last evaluated: 2022-07-01. Review status: criteria provided, single submitter. Criteria: CeGaT Center For Human Genetics Tuebingen Variant Classification Criteria Version 2. Collection method: clinical testing. Allele origin: germline. Affected: yes. Observed: 2 variant alleles.
Comment: EPB41L1: BS1, BS2